The following is an entry in ClinVar:

ClinVar aggregate classification (germline): Pathogenic. Review status: reviewed by expert panel (3 of 4 stars). 2 submissions from 2 submitters: Pathogenic (1). 1 of the submissions does not count toward it. Last evaluated 2024-03-26.

Conditions:
Thrombocytopenia. Identifiers: MedGen C0040034, MeSH D013921, MONDO:0002049, HP:0001873.
Hereditary thrombocytopenia and hematologic cancer predisposition syndrome. Identifiers: Orphanet 71290, MedGen CN281654, MONDO:0011071.

Submissions (2):

ClinGen Myeloid Malignancy Variant Curation Expert Panel
Classification: Pathogenic for Hereditary thrombocytopenia and hematologic cancer predisposition syndrome. Last evaluated: 2024-03-26. Review status: reviewed by expert panel. Criteria: ClinGen MyeloMalig ACMG Specifications v2. Collection method: curation. Allele origin: germline. Inheritance: Autosomal dominant inheritance.
Comment: NM_001754.5(RUNX1):c.165dup (p.Leu56ValfsTer?) is a duplication frameshift variant which results in a termination sequence 82 residues later. This variant is predicted to undergo nonsense mediated decay in a gene in which loss-of-function is an established mechanism (frameshift (+) c.98-c.779 as per VCEP specifications) (PVS1). This variant is completely absent from all population databases with at least 20x coverage for RUNX1 (PM2_supporting). This variant is a nonsense/frameshift variants that is downstream of c.98 (PM5_Supporting). This variant has been reported in one proband meeting at least one of the RUNX1-phenotypic criteria (PS4_ Supporting; PMID: 18723428). In summary, this variant meets criteria to be classified as pathogenic. ACMG/AMP criteria applied, as specified by the Myeloid Malignancy Variant Curation Expert Panel for RUNX1: PVS1, PM5_supporting, PM2_supporting, PS4_supporting.

Bone Marrow Failure laboratory, Queen Mary University London
Classification: Pathogenic for Thrombocytopenia. Last evaluated: 2021-01-20. Review status: criteria provided, single submitter. Criteria: ACMG Guidelines, 2015. Collection method: research. Allele origin: germline. Affected: yes. Not counted in ClinVar's aggregate classification.
Comment: Their father and paternal aunt also died of AML (relapsed post HSCT from sib with TCP). The following ACMG/AMP criteria were used: PVS1, PM2 and PP3.

Literature cited by the submitters: PubMed 18723428 (cited by Bone Marrow Failure laboratory, Queen Mary University London).

NM_001754.5(RUNX1):c.165dup (p.Leu56fs)

Gene: RUNX1 (RUNX family transcription factor 1; minus strand). Cytogenetic location: 21q22.12.
Variant type: Duplication.
Coding change: c.165dup on transcript NM_001754.5 (MANE Select); coding-DNA position 165, one base duplicated (G; older notation c.165dupG).
Protein change: p.Leu56fs; shifts the reading frame from leucine 56.
Molecular consequence: frameshift variant.
Genome position (GRCh38, 1-based): chr21:34,887,029, C duplicated on the plus strand (G on the coding strand, the reverse complement: RUNX1 is on the minus strand). VCF-style (leftmost placement, unchanged base first): chr21-34887028-A-AC. GRCh37 (hg19) VCF-style: chr21-36259325-A-AC.
Other names: NM_001754.5(RUNX1):c.165dup; p.Leu56fs; c.84dup, p.Leu29fs (NM_001001890.3, NM_001122607.2); c.164_165insG (NM_001754.5); short protein forms L29fs, L56fs.
Identifiers: ClinVar variation 1013619 (VCV001013619.4), dbSNP rs2058004321, ClinGen allele CA2387297219.
Genomic context (GRCh38, chr21:34,887,028, plus strand): 5'-GGTCGCCGCTCCTCAGCTTGCCGGCCAGGGCAGCGCCGGCGTCCGGGGCGCCCAGCGGCA[A>AC]CGCCTCGCTCATCTTGCCTGGGCTCAGCGCGGTGGAAGGCGGCGTGAAGCGGCGGCTCGT-3'